The following is an entry in ClinVar:

ClinVar aggregate classification (germline): Conflicting classifications of pathogenicity. Review status: criteria provided, conflicting classifications (1 of 4 stars). 2 submissions from 1 submitter: Uncertain significance (1); Likely benign (1). Last evaluated 2018-01-12.

Conditions:
Congenital myopathy with fiber type disproportion. Also called: Congenital fiber-type disproportion myopathy; Congenital fiber-type disproportion. Identifiers: Orphanet 2020, MedGen C0546264, MONDO:0009711. Inheritance: all.
Congenital myopathy 4B, autosomal recessive. Also called: Nemaline myopathy 1, autosomal dominant or recessive. Identifiers: Orphanet 171433, Orphanet 171439, Orphanet 171881, MedGen C5829889, MONDO:0012239, OMIM 609284.

Allele frequency attached by ClinVar (database versions not stated): gnomAD exomes 0.00019; gnomAD 0.00045 and 0.00048; TOPMed 0.00059; 1000 Genomes Project 30x 0.00078; 1000 Genomes Project 0.00080.

Submissions (2):

Illumina Laboratory Services, Illumina
Classification: Uncertain significance for Congenital myopathy 4B, autosomal recessive. Last evaluated: 2018-01-12. Review status: criteria provided, single submitter. Criteria: ICSL Variant Classification Criteria 13 December 2019. Collection method: clinical testing. Allele origin: germline.

Illumina Laboratory Services, Illumina
Classification: Likely benign for Congenital myopathy 4A, autosomal dominant. Last evaluated: 2018-01-12. Review status: criteria provided, single submitter. Criteria: ICSL Variant Classification Criteria 13 December 2019. Collection method: clinical testing. Allele origin: germline.
Comment: This variant was observed in the ICSL laboratory as part of a predisposition screen in an ostensibly healthy population. It had not been previously curated by ICSL or reported in the Human Gene Mutation Database (HGMD: prior to June 1st, 2018), and was therefore a candidate for classification through an automated scoring system. Utilizing variant allele frequency, disease prevalence and penetrance estimates, and inheritance mode, an automated score was calculated to assess if this variant is too frequent to cause the disease. Based on the score and internal cut-off values, a variant classified as likely benign is not then subjected to further curation. The score for this variant resulted in a classification of likely benign for this disease.

NM_152263.4(TPM3):c.*1077A>C

Gene: TPM3 (tropomyosin 3; minus strand). Cytogenetic location: 1q21.3.
Variant type: single nucleotide variant.
Coding change: c.*1077A>C on transcript NM_152263.4 (MANE Select); 1077 bases downstream of the stop codon, A replaced by C.
Molecular consequence: 3 prime UTR variant. On other transcripts: intron variant (12).
Genome position (GRCh38, 1-based): chr1:154,166,860, T>G on the plus strand (A>C on the coding strand, the complement: TPM3 is on the minus strand). VCF-style: chr1-154166860-T-G. GRCh37 (hg19) VCF-style: chr1-154139336-T-G.
Other names: c.*1077A>C (NM_001364682.1, NM_001364683.1); c.775+3540A>C (NM_001364679.2, NM_001364681.2, NM_001364680.2); c.466+3540A>C (NM_001278188.2); c.664+3540A>C (NM_001043351.2, NM_001043353.2, NM_153649.4 and 1 more transcripts); c.743+2445A>C (NM_001349679.2, NM_001278189.2); c.601+3540A>C (NM_001278190.2); c.394+3540A>C (NM_001278191.2).
Identifiers: ClinVar variation 874145 (VCV000874145.4), dbSNP rs557217738, ClinGen allele CA30765532.
Genomic context (GRCh38, chr1:154,166,860, plus strand): 5'-GCCTCCCGAGTAGCTGGGATTACAGGCACCCACCCACCATGCCCAGCTAATTTTTGTATT[T>G]TTAGTAGAGACGGGGTTTCACCATGTTGGCCGAGCTGGTCTCGAACTCATGACCTCAGGT-3'